The following is an entry in ClinVar:

ClinVar aggregate classification (germline): Uncertain significance. Review status: criteria provided, multiple submitters, no conflicts (2 of 4 stars). 2 submissions from 2 submitters: Uncertain significance (2). Last evaluated 2025-07-28.

Conditions:
Inborn genetic diseases. Identifiers: MedGen C0950123, MeSH D030342.

Allele frequency attached by ClinVar (database versions not stated): gnomAD 0.00001; TOPMed 0.00001; gnomAD exomes 0.00002; ExAC 0.00006.
gnomAD v4.1: 32 of 1,614,024 alleles (0.002%); highest among the groups gnomAD compares: Middle Eastern, 0.016%; no homozygotes.

Submissions (2):

Labcorp Genetics (formerly Invitae), Labcorp
Classification: Uncertain significance. Last evaluated: 2025-07-28. Review status: criteria provided, single submitter. Criteria: Invitae Variant Classification Sherloc (09022015). Collection method: clinical testing. Allele origin: germline.
Comment: This sequence change replaces asparagine, which is neutral and polar, with serine, which is neutral and polar, at codon 657 of the CNNM2 protein (p.Asn657Ser). This variant is present in population databases (rs768493356, gnomAD 0.009%). This variant has not been reported in the literature in individuals affected with CNNM2-related conditions. ClinVar contains an entry for this variant (Variation ID: 2483757). Invitae Evidence Modeling of protein sequence and biophysical properties (such as structural, functional, and spatial information, amino acid conservation, physicochemical variation, residue mobility, and thermodynamic stability) indicates that this missense variant is not expected to disrupt CNNM2 protein function with a negative predictive value of 80%. In summary, the available evidence is currently insufficient to determine the role of this variant in disease. Therefore, it has been classified as a Variant of Uncertain Significance.

Ambry Genetics
Classification: Uncertain significance for Inborn genetic diseases. Last evaluated: 2025-04-30. Review status: criteria provided, single submitter. Criteria: Ambry Variant Classification Scheme 2023. Collection method: clinical testing. Allele origin: germline.

NM_017649.5(CNNM2):c.1970A>G (p.Asn657Ser)

Gene: CNNM2 (cyclin and CBS domain divalent metal cation transport mediator 2; plus strand). Cytogenetic location: 10q24.32.
Variant type: single nucleotide variant.
Coding change: c.1970A>G on transcript NM_017649.5 (MANE Select); coding-DNA position 1970, A replaced by G.
Protein change: p.Asn657Ser; replaces asparagine 657 with serine.
Molecular consequence: missense variant.
Genome position (GRCh38, 1-based): chr10:103,056,861, A>G. VCF-style: chr10-103056861-A-G. GRCh37 (hg19) VCF-style: chr10-104816618-A-G.
Other names: c.1970A>G, p.Asn657Ser (NM_199076.3); short protein forms N657S.
Identifiers: ClinVar variation 2483757 (VCV002483757.6), dbSNP rs768493356, ClinGen allele CA5670499.